The following is an entry in ClinVar:

ClinVar aggregate classification (germline): Pathogenic (1 of 4 stars; one submission).

Submission:

GeneDx
Classification: Pathogenic. Last evaluated: 2017-05-22. Review status: criteria provided, single submitter. Criteria: GeneDx Variant Classification (06012015). Collection method: clinical testing. Allele origin: germline. Affected: yes.
Comment: The Q691X nonsense pathogenic variant in the GLI3 gene is predicted to cause loss of normal protein function either through protein truncation or nonsense-mediated mRNA decay. The Q691X pathogenic variant was not observed in approximately 6,500 individuals of European and African American ancestry in the NHLBI Exome Sequencing Project, indicating it is not a common benign variant in these populations.

NM_000168.6(GLI3):c.2071C>T (p.Gln691Ter)

Gene: GLI3 (GLI family zinc finger 3; minus strand). Cytogenetic location: 7p14.1.
Variant type: single nucleotide variant.
Coding change: c.2071C>T on transcript NM_000168.6 (MANE Select); coding-DNA position 2071, C replaced by T.
Protein change: p.Gln691Ter; replaces glutamine 691 with a stop codon.
Molecular consequence: nonsense.
Genome position (GRCh38, 1-based): chr7:41,972,369, G>A on the plus strand (C>T on the coding strand, the complement: GLI3 is on the minus strand). VCF-style: chr7-41972369-G-A. GRCh37 (hg19) VCF-style: chr7-42011968-G-A.
Other names: short protein forms Q691*.
Identifiers: ClinVar variation 431821 (VCV000431821.2), dbSNP rs1554306031, ClinGen allele CA367321880.